The following is an entry in ClinVar:

ClinVar aggregate classification (germline): Uncertain significance (1 of 4 stars; one submission).

Allele frequency attached by ClinVar (database versions not stated): TOPMed 0.00001; gnomAD 0.00001.
gnomAD v4.1: 13 of 1,613,464 alleles (0.00081%); highest among the groups gnomAD compares: East Asian, 0.0045%; 1 homozygote.

Submission:

Labcorp Genetics (formerly Invitae), Labcorp
Classification: Uncertain significance. Last evaluated: 2021-08-31. Review status: criteria provided, single submitter. Criteria: Invitae Variant Classification Sherloc (09022015). Collection method: clinical testing. Allele origin: germline.
Comment: This sequence change replaces valine with isoleucine at codon 42 of the CD59 protein (p.Val42Ile). The valine residue is weakly conserved and there is a small physicochemical difference between valine and isoleucine. This variant is present in population databases (rs763958932, ExAC 0.01%), including at least one homozygous and/or hemizygous individual. This variant has not been reported in the literature in individuals affected with CD59-related conditions. Algorithms developed to predict the effect of missense changes on protein structure and function output the following: SIFT: "Tolerated"; PolyPhen-2: "Benign"; Align-GVGD: "Class C0". The isoleucine amino acid residue is found in multiple mammalian species, which suggests that this missense change does not adversely affect protein function. In summary, the available evidence is currently insufficient to determine the role of this variant in disease. Therefore, it has been classified as a Variant of Uncertain Significance.

NM_000611.6(CD59):c.124G>A (p.Val42Ile)

Gene: CD59 (CD59 molecule (CD59 blood group); minus strand). Cytogenetic location: 11p13.
Variant type: single nucleotide variant.
Coding change: c.124G>A on transcript NM_000611.6 (MANE Select); coding-DNA position 124, G replaced by A.
Protein change: p.Val42Ile; replaces valine 42 with isoleucine.
Molecular consequence: missense variant.
Genome position (GRCh38, 1-based): chr11:33,717,415, C>T on the plus strand (G>A on the coding strand, the complement: CD59 is on the minus strand). VCF-style: chr11-33717415-C-T. GRCh37 (hg19) VCF-style: chr11-33738961-C-T.
Other names: c.124G>A, p.Val42Ile (NM_001127223.1, NM_001127225.2, NM_001127226.2 and 4 more transcripts); short protein forms V42I.
Identifiers: ClinVar variation 1489261 (VCV001489261.5), dbSNP rs763958932, ClinGen allele CA5940767.